The following is an entry in ClinVar:

NM_000090.4(COL3A1):c.1856C>G (p.Pro619Arg)

Gene: COL3A1 (collagen type III alpha 1 chain; plus strand). Cytogenetic location: 2q32.2.
Variant type: single nucleotide variant.
Coding change: c.1856C>G on transcript NM_000090.4 (MANE Select); coding-DNA position 1856, C replaced by G.
Protein change: p.Pro619Arg; replaces proline 619 with arginine.
Molecular consequence: missense variant.
Genome position (GRCh38, 1-based): chr2:188,997,376, C>G. VCF-style: chr2-188997376-C-G. GRCh37 (hg19) VCF-style: chr2-189862102-C-G.
Other names: short protein forms P619R.
Identifiers: ClinVar variation 2775114 (VCV002775114.2), dbSNP rs373838193, ClinGen allele CA349853527.

ClinVar aggregate classification (germline): Uncertain significance (1 of 4 stars; one submission).

Conditions:
Familial thoracic aortic aneurysm and aortic dissection (TAAD). Also called: Thoracic aortic aneurysms and dissections. Identifiers: Orphanet 91387, MedGen C4707243, MONDO:0019625.

gnomAD v4.1: 3 of 1,613,644 alleles (0.00019%); highest among the groups gnomAD compares: Admixed American, 0.005%; no homozygotes.

Submission:

Color Diagnostics, LLC DBA Color Health
Classification: Uncertain significance for Familial thoracic aortic aneurysm and aortic dissection. Last evaluated: 2022-01-21. Review status: criteria provided, single submitter. Criteria: ACMG Guidelines, 2015. Collection method: clinical testing. Allele origin: germline.
Comment: This missense variant replaces proline with arginine at codon 619 of the COL3A1 protein. Computational prediction is inconclusive regarding the impact of this variant on protein structure and function (internally defined REVEL score threshold 0.5 < inconclusive < 0.7, PMID: 27666373). To our knowledge, functional studies have not been reported for this variant. This variant has not been reported in individuals affected with cardiovascular disorders in the literature. This variant has been identified in 3/251170 chromosomes in the general population by the Genome Aggregation Database (gnomAD). The available evidence is insufficient to determine the role of this variant in disease conclusively. Therefore, this variant is classified as a Variant of Uncertain Significance.